The following is an entry in ClinVar:

ClinVar aggregate classification (germline): Pathogenic/Likely pathogenic. Review status: criteria provided, multiple submitters, no conflicts (2 of 4 stars). 5 submissions from 5 submitters: Pathogenic (3); Likely pathogenic (1). 1 of the submissions does not count toward it. Last evaluated 2024-05-01.

Conditions:
SEC63-related disorder. Also called: SEC63-related condition.
Autosomal dominant polycystic liver disease. Also called: Congenital cystic disease of liver; Polycystic liver disease. Identifiers: Orphanet 2924, MedGen C0158683, MONDO:0000447, HP:0006557.
Polycystic liver disease 2 (PCLD2). Also called: Polycystic liver disease 2 with or without kidney cysts. Identifiers: Orphanet 2924, MedGen C4310769, MONDO:0014860, OMIM 617004.

gnomAD v4.1: 8 of 1,604,586 alleles (0.0005%); highest among the groups gnomAD compares: East Asian, 0.0022%; no homozygotes.

Submissions (5):

Mayo Clinic Laboratories, Mayo Clinic
Classification: Likely pathogenic. Last evaluated: 2024-05-01. Review status: criteria provided, single submitter. Criteria: ACMG Guidelines, 2015. Collection method: clinical testing. Allele origin: germline. Observed: 1 variant allele.
Comment: PM2, PS4_supporting, PVS1

GeneDx
Classification: Pathogenic. Last evaluated: 2023-06-21. Review status: criteria provided, single submitter. Criteria: GeneDx Variant Classification Process June 2021. Collection method: clinical testing. Allele origin: germline. Affected: yes.
Comment: Nonsense variant predicted to result in protein truncation or nonsense mediated decay in a gene for which loss-of-function is a known mechanism of disease; Not observed at significant frequency in large population cohorts (gnomAD); This variant is associated with the following publications: (PMID: 25525159, 20095989)

Fulgent Genetics
Classification: Pathogenic for Polycystic liver disease 2. Last evaluated: 2021-11-29. Review status: criteria provided, single submitter. Criteria: ACMG Guidelines, 2015. Collection method: clinical testing. Allele origin: unknown.

Blueprint Genetics
Classification: Pathogenic for SEC63-related disorders. Last evaluated: 2019-05-27. Review status: criteria provided, single submitter. Criteria: ACMG Guidelines, 2015. Collection method: clinical testing. Allele origin: germline. Affected: yes. Observed: 1 variant allele.

Laboratory of Gastroenterology and Hepatology, Radboud University Medical Center
Classification: Pathogenic for Autosomal dominant polycystic liver disease. Last evaluated: 2021-09-01. Review status: no assertion criteria provided. Collection method: research. Allele origin: germline. Affected: yes. Not counted in ClinVar's aggregate classification.

Literature cited by the submitters: PubMed 20095989 (cited by Mayo Clinic Laboratories, Mayo Clinic); PubMed 24886261 (cited by Mayo Clinic Laboratories, Mayo Clinic); PubMed 32405593 (cited by Mayo Clinic Laboratories, Mayo Clinic).

NM_007214.5(SEC63):c.715C>T (p.Arg239Ter)

Gene: SEC63 (SEC63 protein translocation regulator; minus strand). Cytogenetic location: 6q21.
Variant type: single nucleotide variant.
Coding change: c.715C>T on transcript NM_007214.5 (MANE Select); coding-DNA position 715, C replaced by T.
Protein change: p.Arg239Ter; replaces arginine 239 with a stop codon.
Molecular consequence: nonsense.
Genome position (GRCh38, 1-based): chr6:107,908,945, G>A on the plus strand (C>T on the coding strand, the complement: SEC63 is on the minus strand). VCF-style: chr6-107908945-G-A. GRCh37 (hg19) VCF-style: chr6-108230149-G-A.
Other names: p.Arg239*; c.715C>T (NM_007214.4); short protein forms R239*.
Identifiers: ClinVar variation 1255636 (VCV001255636.6), dbSNP rs755795110, ClinGen allele CA3947618.